The following is an entry in ClinVar:

ClinVar aggregate classification (germline): Benign. Review status: criteria provided, multiple submitters, no conflicts (2 of 4 stars). 3 submissions from 3 submitters: Benign (3). Last evaluated 2018-11-11.

Conditions:
Posterior column ataxia-retinitis pigmentosa syndrome (RETSNS). Also called: RETINOPATHY-SENSORY NEUROPATHY SYNDROME. Identifiers: Orphanet 88628, MedGen C1836916, MONDO:0012177, OMIM 609033.

Allele frequency attached by ClinVar (database versions not stated): gnomAD exomes 0.24341; 1000 Genomes Project 0.44908; 1000 Genomes Project 30x 0.45362; gnomAD 0.36047 and 0.36446; TOPMed 0.39035.
gnomAD v4.1: 295,346 of 1,135,086 alleles (26%); highest among the groups gnomAD compares: African/African-American, 67%; 48,224 homozygotes.

Submissions (3):

GeneDx
Classification: Benign. Last evaluated: 2018-11-11. Review status: criteria provided, single submitter. Criteria: GeneDx Variant Classification Process June 2021. Collection method: clinical testing. Allele origin: germline. Affected: yes.

Illumina Laboratory Services, Illumina
Classification: Benign for Posterior column ataxia-retinitis pigmentosa syndrome. Last evaluated: 2018-01-13. Review status: criteria provided, single submitter. Criteria: ICSL Variant Classification Criteria 13 December 2019. Collection method: clinical testing. Allele origin: germline.
Comment: This variant was observed in the ICSL laboratory as part of a predisposition screen in an ostensibly healthy population. It had not been previously curated by ICSL or reported in the Human Gene Mutation Database (HGMD: prior to June 1st, 2018), and was therefore a candidate for classification through an automated scoring system. Utilizing variant allele frequency, disease prevalence and penetrance estimates, and inheritance mode, an automated score was calculated to assess if this variant is too frequent to cause the disease. Based on the score and internal cut-off values, a variant classified as benign is not then subjected to further curation. The score for this variant resulted in a classification of benign for this disease.

Breakthrough Genomics
Classification: Benign. Review status: criteria provided, single submitter. Criteria: ACMG Guidelines, 2015. Collection method: not provided. Allele origin: germline. Inheritance: Autosomal recessive inheritance. Affected: yes.

NM_017791.3(FLVCR2):c.-96T>C

Genes: FLVCR2 (FLVCR choline and putative heme transporter 2; plus strand), FLVCR2-AS1 (FLVCR2 antisense RNA 1; minus strand). Cytogenetic location: 14q24.3.
Variant type: single nucleotide variant.
Coding change: c.-96T>C on transcript NM_017791.3 (MANE Select); 96 bases upstream of the start codon, T replaced by C.
Molecular consequence: 5 prime UTR variant. On other transcripts: non-coding transcript variant (1).
Genome position (GRCh38, 1-based): chr14:75,578,877, T>C. VCF-style: chr14-75578877-T-C. GRCh37 (hg19) VCF-style: chr14-76045220-T-C.
Identifiers: ClinVar variation 314406 (VCV000314406.7), dbSNP rs11845734, ClinGen allele CA10646168.